The following is an entry in ClinVar:

NM_001330260.2(SCN8A):c.4774G>T (p.Val1592Leu)

Gene: SCN8A (sodium voltage-gated channel alpha subunit 8; plus strand). Cytogenetic location: 12q13.13.
Variant type: single nucleotide variant.
Coding change: c.4774G>T on transcript NM_001330260.2 (MANE Select); coding-DNA position 4774, G replaced by T.
Protein change: p.Val1592Leu; replaces valine 1592 with leucine.
Molecular consequence: missense variant.
Genome position (GRCh38, 1-based): chr12:51,794,620, G>T. VCF-style: chr12-51794620-G-T. GRCh37 (hg19) VCF-style: chr12-52188404-G-T.
Other names: c.4651G>T, p.Val1551Leu (NM_001177984.3, NM_001369788.1); c.4774G>T, p.Val1592Leu (NM_014191.4); short protein forms V1551L, V1592L.
Identifiers: ClinVar variation 3375774 (VCV003375774.3).

ClinVar aggregate classification (germline): Pathogenic/Likely pathogenic. Review status: criteria provided, multiple submitters, no conflicts (2 of 4 stars). 2 submissions from 2 submitters: Pathogenic (1); Likely pathogenic (1). Last evaluated 2024-05-10.

Conditions:
Developmental and epileptic encephalopathy, 13 (DEE13). Also called: Developmental and Epileptic Encephalopathy (SCN8A-DEE); Early infantile epileptic encephalopathy 13; SCN8A-Related Epilepsy. Identifiers: Orphanet 442835, MedGen C3281191, MONDO:0013801, OMIM 614558.
Seizures, benign familial infantile, 5 (BFIS5). Also called: CONVULSIONS, BENIGN FAMILIAL INFANTILE, 5. Identifiers: Orphanet 306, MedGen C4310728, MONDO:0014903, OMIM 617080.

Submissions (2):

GeneDx
Classification: Likely pathogenic. Last evaluated: 2024-05-10. Review status: criteria provided, single submitter. Criteria: GeneDx Variant Classification Process June 2021. Collection method: clinical testing. Allele origin: germline. Affected: yes.
Comment: Not observed at significant frequency in large population cohorts (gnomAD); In silico analysis supports that this missense variant has a deleterious effect on protein structure/function; In silico analysis supports that this missense variant has a deleterious effect on splicing; This substitution is predicted to be within the Transmembrane segment S3 of the fourth homologous domain; This variant is associated with the following publications: (PMID: 32968789, 32040247)

Juno Genomics, Hangzhou Juno Genomics, Inc
Classification: Pathogenic for Developmental and epileptic encephalopathy, 13; Seizures, benign familial infantile, 5. Review status: criteria provided, single submitter. Criteria: ACMG Guidelines, 2015. Collection method: clinical testing. Allele origin: germline. Affected: yes.
Comment: Absent from controls (or at extremely low frequency if recessive) in Genome Aggregation Database, Exome Sequencing Project, 1000 Genomes Project, or Exome Aggregation Consortium.;The prevalence of the variant in affected individuals is significantly increased compared to the prevalence in controls.;De novo (both maternity and paternity confirmed) in a patient with the disease and no family history.;Multiple lines of computational evidence support a deleterious effect on the gene or gene product (conservation, evolutionary, splicing impact, etc).;Missense variant in a gene that has a low rate of benign missense variation and where missense variants are a common mechanism of disease.